The following is an entry in ClinVar:

NM_004304.5(ALK):c.3135G>A (p.Val1045=)

Gene: ALK (ALK receptor tyrosine kinase; minus strand). Cytogenetic location: 2p23.2.
Variant type: single nucleotide variant.
Coding change: c.3135G>A on transcript NM_004304.5 (MANE Select); coding-DNA position 3135, G replaced by A.
Protein change: p.Val1045=; no amino-acid change (valine 1045 retained).
Molecular consequence: synonymous variant.
Genome position (GRCh38, 1-based): chr2:29,225,498, C>T on the plus strand (G>A on the coding strand, the complement: ALK is on the minus strand). VCF-style: chr2-29225498-C-T. GRCh37 (hg19) VCF-style: chr2-29448364-C-T.
Identifiers: ClinVar variation 956824 (VCV000956824.11), dbSNP rs371735276, ClinGen allele CA44633205.
Genomic context (GRCh38, chr2:29,225,498, plus strand): 5'-TCCCTGGGGCTCTGTGCACTCACCAATCATGATGCCGGAGAAAGCCAGGACCAGGGCGGC[C>T]ACGAGGGCAGAGGTCACCACAGAGAGGATCAGCGAGAGTGGCAGGTGTGGCTCCGGGGTG-3'
Protein context (NP_004295.2, residues 1035-1055): LILSVVTSAL[Val1045=]AALVLAFSGI

ClinVar aggregate classification (germline): Conflicting classifications of pathogenicity. Review status: criteria provided, conflicting classifications (1 of 4 stars). 3 submissions from 3 submitters: Uncertain significance (1); Likely benign (2). Last evaluated 2026-01-16.

Conditions:
Hereditary cancer-predisposing syndrome. Also called: Hereditary neoplastic syndrome; Tumor predisposition; Neoplastic Syndromes, Hereditary; Hereditary Cancer Syndrome. Identifiers: Orphanet 140162, MedGen C0027672, MeSH D009386, MONDO:0015356.
Neuroblastoma, susceptibility to, 3. Also called: ALK-Related Neuroblastic Tumor Susceptibility. Identifiers: Orphanet 635, MedGen C2751681, MONDO:0013083, OMIM 613014.

Allele frequency attached by ClinVar (database versions not stated): gnomAD exomes 0.00001; TOPMed 0.00001; ESP Exome Variant Server 0.00015.
gnomAD v4.1: 16 of 1,613,452 alleles (0.00099%); highest among the groups gnomAD compares: Non-Finnish European, 0.0014%; no homozygotes.

Submissions (3):

Labcorp Genetics (formerly Invitae), Labcorp
Classification: Likely benign for Neuroblastoma, susceptibility to, 3. Last evaluated: 2026-01-16. Review status: criteria provided, single submitter. Criteria: Invitae Variant Classification Sherloc (09022015). Collection method: clinical testing. Allele origin: germline.

GeneDx
Classification: Uncertain significance. Last evaluated: 2024-07-22. Review status: criteria provided, single submitter. Criteria: GeneDx Variant Classification Process June 2021. Collection method: clinical testing. Allele origin: germline. Affected: yes.
Comment: Not observed at significant frequency in large population cohorts (gnomAD); In silico analysis indicates that this variant does not alter splicing; Has not been previously published as pathogenic or benign to our knowledge

Ambry Genetics
Classification: Likely benign for Hereditary cancer-predisposing syndrome. Last evaluated: 2022-07-05. Review status: criteria provided, single submitter. Criteria: Ambry Variant Classification Scheme 2023. Collection method: clinical testing. Allele origin: germline.